The following is an entry in ClinVar:

ClinVar aggregate classification (germline): Pathogenic (1 of 4 stars; one submission).

Conditions:
Hereditary factor XI deficiency disease. Also called: PLASMA THROMBOPLASTIN ANTECEDENT DEFICIENCY; PTA DEFICIENCY; ROSENTHAL SYNDROME; Congenital factor XI deficiency. Identifiers: Orphanet 329, MedGen C0015523, MeSH D005173, MONDO:0012897, OMIM 612416.

Submission:

Myriad Genetics, Inc.
Classification: Pathogenic for Hereditary factor XI deficiency disease. Last evaluated: 2024-05-14. Review status: criteria provided, single submitter. Criteria: Myriad Autosomal Dominant, Autosomal Recessive and X-Linked Classification Criteria (2023). Collection method: clinical testing. Allele origin: unknown.
Comment: NM_000128.3(F11):c.1525_1526ins7(V509Efs*7) is expected to be pathogenic in the context of factor XI deficiency. This variant is predicted to lead to an abnormal or absent protein product due to the creation of a premature termination codon in F11, a gene where loss-of-function variants are known to be pathogenic. Please note: this variant was assessed in the context of healthy population screening.

NM_000128.4(F11):c.1525_1526insAAAAAAA (p.Val509fs)

Genes: F11 (coagulation factor XI; plus strand), F11-AS1 (F11 antisense RNA 1; minus strand). Cytogenetic location: 4q35.2.
Variant type: Insertion.
Coding change: c.1525_1526insAAAAAAA on transcript NM_000128.4 (MANE Select); coding-DNA positions 1525 to 1526, AAAAAAA inserted.
Protein change: p.Val509fs; shifts the reading frame from valine 509.
Molecular consequence: frameshift variant. On other transcripts: intron variant (4).
Genome position: GRCh38 VCF-style: chr4-186286459-G-GAAAAAAA. GRCh37 (hg19) VCF-style: chr4-187207613-G-GAAAAAAA.
Other names: c.1477_1478insAAAAAAA, p.Val493fs (NM_001440590.1); c.1255_1256insAAAAAAA, p.Val419fs (NM_001440605.1); c.1207_1208insAAAAAAA, p.Val403fs (NM_001440606.1); c.1480+646_1480+647insAAAAAAA (NM_001440593.1); c.1432+646_1432+647insAAAAAAA (NM_001440596.1); c.1210+646_1210+647insAAAAAAA (NM_001440607.1); c.1162+646_1162+647insAAAAAAA (NM_001440608.1); short protein forms V403fs, V419fs, V493fs, V509fs.
Identifiers: ClinVar variation 5010592 (VCV005010592.1).